The following is an entry in ClinVar:

NM_201589.4(MAFA):c.631G>A (p.Ala211Thr)

Gene: MAFA (MAF bZIP transcription factor A; minus strand). Cytogenetic location: 8q24.3.
Variant type: single nucleotide variant.
Coding change: c.631G>A on transcript NM_201589.4 (MANE Select); coding-DNA position 631, G replaced by A.
Protein change: p.Ala211Thr; replaces alanine 211 with threonine.
Molecular consequence: missense variant.
Genome position (GRCh38, 1-based): chr8:143,429,776, C>T on the plus strand (G>A on the coding strand, the complement: MAFA is on the minus strand). VCF-style: chr8-143429776-C-T. GRCh37 (hg19) VCF-style: chr8-144511946-C-T.
Other names: c.631G>A (NM_201589.3); short protein forms A211T.
Identifiers: ClinVar variation 3242207 (VCV003242207.3), dbSNP rs538034673.

ClinVar aggregate classification (germline): Uncertain significance. Review status: criteria provided, multiple submitters, no conflicts (2 of 4 stars). 2 submissions from 2 submitters: Uncertain significance (2). Last evaluated 2025-10-22.

Conditions:
Islet cell adenomatosis. Identifiers: MedGen C1578917, MONDO:0007834, OMIM 147630.

Allele frequency attached by ClinVar (database versions not stated): gnomAD 0.00002; TOPMed 0.00003; 1000 Genomes Project 0.00020; 1000 Genomes Project 30x 0.00031.
gnomAD v4.1: 101 of 1,495,678 alleles (0.0068%); highest among the groups gnomAD compares: Non-Finnish European, 0.0086%; no homozygotes.

Submissions (2):

Ambry Genetics
Classification: Uncertain significance. Last evaluated: 2025-10-22. Review status: criteria provided, single submitter. Criteria: Ambry Variant Classification Scheme 2023. Collection method: clinical testing. Allele origin: germline.

Neuberg Centre For Genomic Medicine, NCGM
Classification: Uncertain significance for Islet cell adenomatosis. Last evaluated: 2023-06-22. Review status: criteria provided, single submitter. Criteria: ACMG Guidelines, 2015. Collection method: clinical testing. Allele origin: germline. Inheritance: Autosomal dominant inheritance. Affected: yes.
Comment: The missense variant c.631G>A p.Ala211Thr in the MAFA gene has not been reported previously as a pathogenic variant nor as a benign variant, to our knowledge. This variant is reported with the allele frequency 0.003% in the gnomAD Exomes. The amino acid Alanine at position 211 is changed to a Threonine changing protein sequence and it might alter its composition and physico-chemical properties. Computational evidence Polyphen, SIFT and MutationTaster predicts conflicting evidence on protein structure and function for this variant. For these reasons, this variant has been classified as Uncertain Significance.